The following is an entry in ClinVar:

ClinVar aggregate classification (germline): Uncertain significance. Review status: criteria provided, multiple submitters, no conflicts (2 of 4 stars). 2 submissions from 2 submitters: Uncertain significance (2). Last evaluated 2025-01-17.

Conditions:
Carey-Fineman-Ziter syndrome 1 (CFZS1). Also called: MYOPATHY, CONGENITAL NONPROGRESSIVE, WITH MOEBIUS SEQUENCE AND ROBIN SEQUENCE. Identifiers: MedGen C5676876, MONDO:0800437, OMIM 254940.
Inborn genetic diseases. Identifiers: MedGen C0950123, MeSH D030342.

Allele frequency attached by ClinVar (database versions not stated): ExAC 0.00002.

Submissions (2):

Ambry Genetics
Classification: Uncertain significance for Inborn genetic diseases. Last evaluated: 2025-01-17. Review status: criteria provided, single submitter. Criteria: Ambry Variant Classification Scheme 2023. Collection method: clinical testing. Allele origin: germline.

Diagnostics Services (NGS), CSIR - Centre For Cellular And Molecular Biology
Classification: Uncertain significance for Carey-Fineman-Ziter syndrome 1. Last evaluated: 2024-06-28. Review status: criteria provided, single submitter. Criteria: ACMG Guidelines, 2015. Collection method: clinical testing. Allele origin: germline. Affected: yes. Observed: 1 variant allele, 1 homozygote.
Comment: The c.428T>C variant is not present in publicly available population databases like 1000 Genomes, EVS, Indian Exome Database or our in-house exome database. This variant is present in ExAC and gnomAD at low frequencies. This variant has neither been published in literature with MYMK-related conditions nor reported to the clinical databases like Human Genome Mutation Database (HGMD), ClinVar or OMIM, in any affected individuals. In-silico pathogenicity prediction programs like SIFT, PolyPhen-2, MutationTaster2, CADD, etc predicted this variant to be likely deleterious, however these predictions were not confirmed by published functional studies.

NM_001080483.3(MYMK):c.428T>C (p.Leu143Pro)

Gene: MYMK (myomaker, myoblast fusion factor; minus strand). Cytogenetic location: 9q34.2.
Variant type: single nucleotide variant.
Coding change: c.428T>C on transcript NM_001080483.3 (MANE Select); coding-DNA position 428, T replaced by C.
Protein change: p.Leu143Pro; replaces leucine 143 with proline.
Molecular consequence: missense variant.
Genome position (GRCh38, 1-based): chr9:133,515,579, A>G on the plus strand (T>C on the coding strand, the complement: MYMK is on the minus strand). VCF-style: chr9-133515579-A-G. GRCh37 (hg19) VCF-style: chr9-136380701-A-G.
Other names: c.428T>C (NM_001080483.2); short protein forms L143P.
Identifiers: ClinVar variation 3251986 (VCV003251986.2), dbSNP rs769028371.